The following is an entry in ClinVar:

NM_001040151.2(SCN3B):c.340G>A (p.Asp114Asn)

Gene: SCN3B (sodium voltage-gated channel beta subunit 3; minus strand). Cytogenetic location: 11q24.1.
Variant type: single nucleotide variant.
Coding change: c.340G>A on transcript NM_001040151.2 (MANE Select); coding-DNA position 340, G replaced by A.
Protein change: p.Asp114Asn; replaces aspartic acid 114 with asparagine.
Molecular consequence: missense variant.
Genome position (GRCh38, 1-based): chr11:123,642,551, C>T on the plus strand (G>A on the coding strand, the complement: SCN3B is on the minus strand). VCF-style: chr11-123642551-C-T. GRCh37 (hg19) VCF-style: chr11-123513259-C-T.
Other names: c.340G>A, p.Asp114Asn (NM_018400.4); short protein forms D114N.
Identifiers: ClinVar variation 3665852 (VCV003665852.3).
Genomic context (GRCh38, chr11:123,642,551, plus strand): 5'-AGGGCCGATGCGCCTCAAACTCAAACTCCCGGGACACATTGCAGGTGTAGAGGCCAGAGT[C>T]GTTCAGAGTGACGTTGAGCACAGTGATGGACACGTCCTGCAGGTCCTTGCTGCCATTCCA-3'
Protein context (NP_001035241.1, residues 104-124): SITVLNVTLN[Asp114Asn]SGLYTCNVSR

ClinVar aggregate classification (germline): Uncertain significance. Review status: criteria provided, multiple submitters, no conflicts (2 of 4 stars). 2 submissions from 2 submitters: Uncertain significance (2). Last evaluated 2026-02-19.

Conditions:
Brugada syndrome 7 (BRGDA7). Identifiers: Orphanet 130, MedGen C2751088, MONDO:0013146, OMIM 613120.
Cardiovascular phenotype. Identifiers: MedGen CN230736.

gnomAD v4.1: 1 of 1,614,170 alleles (0.000062%); highest among the groups gnomAD compares: Admixed American, 0.0017%; no homozygotes.

Submissions (2):

Ambry Genetics
Classification: Uncertain significance for Cardiovascular phenotype. Last evaluated: 2026-02-19. Review status: criteria provided, single submitter. Criteria: Ambry Variant Classification Scheme 2023. Collection method: clinical testing. Allele origin: germline.
Comment: The p.D114N variant (also known as c.340G>A), located in coding exon 3 of the SCN3B gene, results from a G to A substitution at nucleotide position 340. The aspartic acid at codon 114 is replaced by asparagine, an amino acid with highly similar properties. This amino acid position is conserved. In addition, the in silico prediction for this alteration is inconclusive. Based on the available evidence, the clinical significance of this variant remains unclear.

Labcorp Genetics (formerly Invitae), Labcorp
Classification: Uncertain significance for Brugada syndrome 7. Last evaluated: 2024-12-22. Review status: criteria provided, single submitter. Criteria: Invitae Variant Classification Sherloc (09022015). Collection method: clinical testing. Allele origin: germline.
Comment: This sequence change replaces aspartic acid, which is acidic and polar, with asparagine, which is neutral and polar, at codon 114 of the SCN3B protein (p.Asp114Asn). This variant is not present in population databases (gnomAD no frequency). This variant has not been reported in the literature in individuals affected with SCN3B-related conditions. An algorithm developed to predict the effect of missense changes on protein structure and function (PolyPhen-2) suggests that this variant is likely to be disruptive. In summary, the available evidence is currently insufficient to determine the role of this variant in disease. Therefore, it has been classified as a Variant of Uncertain Significance.